The following is an entry in ClinVar:

NM_001286555.3(DUSP22):c.606G>A (p.Thr202=)

Gene: DUSP22 (dual specificity phosphatase 22; plus strand). Cytogenetic location: 6p25.3.
Variant type: single nucleotide variant.
Coding change: c.606G>A on transcript NM_001286555.3 (MANE Select); coding-DNA position 606, G replaced by A.
Protein change: p.Thr202=; no amino-acid change (threonine 202 retained).
Molecular consequence: synonymous variant. On other transcripts: non-coding transcript variant (3), intron variant (1).
Genome position (GRCh38, 1-based): chr6:348,939, G>A. VCF-style: chr6-348939-G-A. GRCh37 (hg19) VCF-style: chr6-348939-G-A.
Other names: c.508+98G>A (NM_020185.6).
Identifiers: ClinVar variation 3032216 (VCV003032216.2), dbSNP rs755974466, ClinGen allele CA3612507.

ClinVar aggregate classification (germline): Likely benign (0 of 4 stars; one submission).

Conditions:
DUSP22-related disorder. Also called: DUSP22-related condition.

Allele frequency attached by ClinVar (database versions not stated): ExAC 0.00003.
gnomAD v4.1: 31 of 1,602,010 alleles (0.0019%); highest among the groups gnomAD compares: Middle Eastern, 0.017%; no homozygotes.

Submission:

PreventionGenetics, part of Exact Sciences
Classification: Likely benign for DUSP22-related condition. Last evaluated: 2024-02-22. Review status: no assertion criteria provided. Collection method: clinical testing. Allele origin: germline.
Comment: This variant is classified as likely benign based on ACMG/AMP sequence variant interpretation guidelines (Richards et al. 2015 PMID: 25741868, with internal and published modifications).